The following is an entry in ClinVar:

ClinVar aggregate classification (germline): Uncertain significance (1 of 4 stars; one submission).

Submission:

Labcorp Genetics (formerly Invitae), Labcorp
Classification: Uncertain significance. Last evaluated: 2022-07-14. Review status: criteria provided, single submitter. Criteria: Invitae Variant Classification Sherloc (09022015). Collection method: clinical testing. Allele origin: germline.
Comment: In summary, the available evidence is currently insufficient to determine the role of this variant in disease. Therefore, it has been classified as a Variant of Uncertain Significance. Algorithms developed to predict the effect of missense changes on protein structure and function are either unavailable or do not agree on the potential impact of this missense change (SIFT: "Tolerated"; PolyPhen-2: "Probably Damaging"; Align-GVGD: "Class C0"). This variant has not been reported in the literature in individuals affected with HPS6-related conditions. This variant is not present in population databases (gnomAD no frequency). This sequence change replaces proline, which is neutral and non-polar, with glutamine, which is neutral and polar, at codon 448 of the HPS6 protein (p.Pro448Gln).

NM_024747.6(HPS6):c.1343C>A (p.Pro448Gln)

Gene: HPS6 (HPS6 biogenesis of lysosomal organelles complex 2 subunit 3; plus strand). Cytogenetic location: 10q24.32.
Variant type: single nucleotide variant.
Coding change: c.1343C>A on transcript NM_024747.6 (MANE Select); coding-DNA position 1343, C replaced by A.
Protein change: p.Pro448Gln; replaces proline 448 with glutamine.
Molecular consequence: missense variant.
Genome position (GRCh38, 1-based): chr10:102,066,817, C>A. VCF-style: chr10-102066817-C-A. GRCh37 (hg19) VCF-style: chr10-103826574-C-A.
Other names: short protein forms P448Q.
Identifiers: ClinVar variation 2015818 (VCV002015818.4), dbSNP rs1230667052, ClinGen allele CA377866490.